The following is an entry in ClinVar:

GRCh38/hg38 2p11.2(chr2:87148950-87705910)x3

Genes: CYTOR (cytoskeleton regulator RNA; plus strand), LINC01943 (long intergenic non-protein coding RNA 1943; minus strand), MIR4435-1 (microRNA 4435-1; plus strand), MIR4771-1 (microRNA 4771-1; plus strand), NCAL1 (NK cell activity associated lncRNA 1; plus strand) and 1 more. Cytogenetic location: 2p11.2.
Variant type: copy number gain.
Change: copy number 3 (three copies instead of two) of chr2:87,148,950-87,705,910 (557.0 kb, GRCh38 coordinates, 1-based), cytogenetic band 2p11.2.
Identifiers: ClinVar variation 145391 (VCV000145391.2).

ClinVar aggregate classification (germline): Benign/Likely benign (0 of 4 stars; one submission).

Submission:

ISCA site 4
Classification: Benign/Likely benign. Last evaluated: 2010-09-30. Review status: no assertion criteria provided. Collection method: clinical testing. Allele origin: unknown. Affected: yes. Observed: 2 variant alleles.
Comment: Likely benign (1), Benign (1)

Copy number variation identified through the course of routine clinical cytogenomic testing in postnatal populations, with clinical assertions as classified by the original submitter.